The following is an entry in ClinVar:

ClinVar aggregate classification (germline): Uncertain significance. Review status: criteria provided, multiple submitters, no conflicts (2 of 4 stars). 2 submissions from 2 submitters: Uncertain significance (2). Last evaluated 2021-12-08.

Conditions:
Coffin-Siris syndrome. Identifiers: Orphanet 1465, MedGen C0265338, MONDO:0015452.

Allele frequency attached by ClinVar (database versions not stated): gnomAD exomes below 0.00001.
gnomAD v4.1: 1 of 1,614,148 alleles (0.000062%); highest among the groups gnomAD compares: African/African-American, 0.0013%; no homozygotes.

Submissions (2):

Centre of Medical Genetics, University Hospital Muenster
Classification: Uncertain significance. Last evaluated: 2021-12-08. Review status: criteria provided, single submitter. Criteria: ACMG Guidelines, 2015. Collection method: clinical testing. Allele origin: unknown. Affected: yes. Observed: 1 variant allele, 1 heterozygote.
Comment: ACMG categories: PM1,PM2,BP1

Department of Pathology and Laboratory Medicine, Sinai Health System
Classification: Uncertain significance for Coffin-Siris syndrome. Last evaluated: 2021-12-08. Review status: criteria provided, single submitter. Criteria: ACMG Guidelines, 2015. Collection method: research. Allele origin: germline.

NM_152641.4(ARID2):c.2927C>G (p.Pro976Arg)

Gene: ARID2 (AT-rich interaction domain 2; plus strand). Cytogenetic location: 12q12.
Variant type: single nucleotide variant.
Coding change: c.2927C>G on transcript NM_152641.4 (MANE Select); coding-DNA position 2927, C replaced by G.
Protein change: p.Pro976Arg; replaces proline 976 with arginine.
Molecular consequence: missense variant.
Genome position (GRCh38, 1-based): chr12:45,851,050, C>G. VCF-style: chr12-45851050-C-G. GRCh37 (hg19) VCF-style: chr12-46244833-C-G.
Other names: c.2927C>G, p.Pro976Arg (NM_001347839.2); short protein forms P976R.
Identifiers: ClinVar variation 1708302 (VCV001708302.3), dbSNP rs1320142801, ClinGen allele CA384481055.